The following is an entry in ClinVar:

ClinVar aggregate classification (germline): Pathogenic. Review status: criteria provided, multiple submitters, no conflicts (2 of 4 stars). 2 submissions from 2 submitters: Pathogenic (2). Last evaluated 2023-10-10.

Conditions:
COL1A1-related disorder. Also called: COL1A1- related disease; COL1A1-related condition.

Submissions (2):

GeneDx
Classification: Pathogenic. Last evaluated: 2023-10-10. Review status: criteria provided, single submitter. Criteria: GeneDx Variant Classification Process June 2021. Collection method: clinical testing. Allele origin: germline. Affected: yes.
Comment: Observed in a proband with perinatal lethal osteogenesis imperfecta (Pyott et al., 2011); Occurs in the triple helical domain and replaces a glycine in a canonical Gly-X-Y repeat; missense substitution of a canonical glycine residue is expected to disrupt normal protein folding and function, and this is an established mechanism of disease (Jovanovic et al., 2022); Not observed at significant frequency in large population cohorts (gnomAD); In silico analysis supports that this missense variant has a deleterious effect on protein structure/function; This variant is associated with the following publications: (PMID: 21239989, 34007986)

Blueprint Genetics
Classification: Pathogenic for COL1A1-related disorders. Last evaluated: 2019-03-28. Review status: criteria provided, single submitter. Criteria: ACMG Guidelines, 2015. Collection method: clinical testing. Allele origin: germline. Affected: yes. Observed: 1 variant allele.

NM_000088.4(COL1A1):c.2588G>T (p.Gly863Val)

Gene: COL1A1 (collagen type I alpha 1 chain; minus strand). Cytogenetic location: 17q21.33.
Variant type: single nucleotide variant.
Coding change: c.2588G>T on transcript NM_000088.4 (MANE Select); coding-DNA position 2588, G replaced by T.
Protein change: p.Gly863Val; replaces glycine 863 with valine.
Molecular consequence: missense variant.
Genome position (GRCh38, 1-based): chr17:50,189,884, C>A on the plus strand (G>T on the coding strand, the complement: COL1A1 is on the minus strand). VCF-style: chr17-50189884-C-A. GRCh37 (hg19) VCF-style: chr17-48267245-C-A.
Other names: short protein forms G863V.
Identifiers: ClinVar variation 3338857 (VCV003338857.2).
Genomic context (GRCh38, chr17:50,189,884, plus strand): 5'-GGGAGAGGCTCAACAGAGAGGCGGGTGATACTCACAGGGGGACCAGCGCTGCCGCGAGCA[C>A]CTTTGGCTCCAGGAGCACCAACATTACCCTGTAGGAGAGCACAGAGGCATCAAGCCTGGA-3'
Protein context (NP_000079.2, residues 853-873): IGNVGAPGAK[Gly863Val]ARGSAGPPGA